The following is an entry in ClinVar:

NM_001184.4(ATR):c.984G>A (p.Met328Ile)

Gene: ATR (ATR checkpoint kinase; minus strand). Cytogenetic location: 3q23.
Variant type: single nucleotide variant.
Coding change: c.984G>A on transcript NM_001184.4 (MANE Select); coding-DNA position 984, G replaced by A.
Protein change: p.Met328Ile; replaces methionine 328 with isoleucine.
Molecular consequence: missense variant.
Genome position (GRCh38, 1-based): chr3:142,562,418, C>T on the plus strand (G>A on the coding strand, the complement: ATR is on the minus strand). VCF-style: chr3-142562418-C-T. GRCh37 (hg19) VCF-style: chr3-142281260-C-T.
Other names: c.984G>A, p.Met328Ile (NM_001354579.2); short protein forms M328I.
Identifiers: ClinVar variation 2562491 (VCV002562491.2), dbSNP rs1426228305, ClinGen allele CA354824169.

ClinVar aggregate classification (germline): Uncertain significance (1 of 4 stars; one submission).

Conditions:
Inborn genetic diseases. Identifiers: MedGen C0950123, MeSH D030342.

Allele frequency attached by ClinVar (database versions not stated): gnomAD exomes below 0.00001; TOPMed below 0.00001; gnomAD 0.00001.
gnomAD v4.1: 6 of 1,614,030 alleles (0.00037%); highest among the groups gnomAD compares: Non-Finnish European, 0.00051%; no homozygotes.

Submission:

Ambry Genetics
Classification: Uncertain significance for Inborn genetic diseases. Last evaluated: 2023-06-03. Review status: criteria provided, single submitter. Criteria: Ambry Variant Classification Scheme 2023. Collection method: clinical testing. Allele origin: germline.
Comment: The p.M328I variant (also known as c.984G>A), located in coding exon 4 of the ATR gene, results from a G to A substitution at nucleotide position 984. The methionine at codon 328 is replaced by isoleucine, an amino acid with highly similar properties. This amino acid position is conserved. In addition, this alteration is predicted to be tolerated by in silico analysis. Since supporting evidence is limited at this time, the clinical significance of this alteration remains unclear.